The following is an entry in ClinVar:

NM_001035.3(RYR2):c.10672C>A (p.Leu3558Ile)

Gene: RYR2 (ryanodine receptor 2; plus strand). Cytogenetic location: 1q43.
Variant type: single nucleotide variant.
Coding change: c.10672C>A on transcript NM_001035.3 (MANE Select); coding-DNA position 10672, C replaced by A.
Protein change: p.Leu3558Ile; replaces leucine 3558 with isoleucine.
Molecular consequence: missense variant.
Genome position (GRCh38, 1-based): chr1:237,723,245, C>A. VCF-style: chr1-237723245-C-A. GRCh37 (hg19) VCF-style: chr1-237886545-C-A.
Other names: short protein forms L3558I.
Identifiers: ClinVar variation 955203 (VCV000955203.11), dbSNP rs1689901276, ClinGen allele CA345416221.
Genomic context (GRCh38, chr1:237,723,245, plus strand): 5'-ACTGATGATACCTCAGATCCAGAGAAGACGGTAGAAAGAGTATTGGATATAGCAAATGTG[C>A]TTTTTCATCTTGAACAGGTCAGGCTTTGTGTCAATTCAATCATATTTGCCTTAGCCACAT-3'
Protein context (NP_001026.2, residues 3548-3568): VERVLDIANV[Leu3558Ile]FHLEQKSKRV

ClinVar aggregate classification (germline): Uncertain significance (1 of 4 stars; one submission).

Conditions:
Catecholaminergic polymorphic ventricular tachycardia 1. Also called: VENTRICULAR TACHYCARDIA, STRESS-INDUCED POLYMORPHIC 1; RYR2-Related Catecholaminergic Polymorphic Ventricular Tachycardia; VENTRICULAR TACHYCARDIA, CATECHOLAMINERGIC POLYMORPHIC, 1, WITH OR WITHOUT ATRIAL DYSFUNCTION AND/OR DILATED CARDIOMYOPATHY. Identifiers: Orphanet 3286, MedGen C1631597, MONDO:0011484, OMIM 604772.

Submission:

Labcorp Genetics (formerly Invitae), Labcorp
Classification: Uncertain significance for Catecholaminergic polymorphic ventricular tachycardia 1. Last evaluated: 2024-02-19. Review status: criteria provided, single submitter. Criteria: Invitae Variant Classification Sherloc (09022015). Collection method: clinical testing. Allele origin: germline.
Comment: This sequence change replaces leucine, which is neutral and non-polar, with isoleucine, which is neutral and non-polar, at codon 3558 of the RYR2 protein (p.Leu3558Ile). This variant is not present in population databases (gnomAD no frequency). This variant has not been reported in the literature in individuals affected with RYR2-related conditions. ClinVar contains an entry for this variant (Variation ID: 955203). Advanced modeling of protein sequence and biophysical properties (such as structural, functional, and spatial information, amino acid conservation, physicochemical variation, residue mobility, and thermodynamic stability) performed at Invitae indicates that this missense variant is not expected to disrupt RYR2 protein function with a negative predictive value of 95%. In summary, the available evidence is currently insufficient to determine the role of this variant in disease. Therefore, it has been classified as a Variant of Uncertain Significance.